The following is an entry in ClinVar:

NM_002834.5(PTPN11):c.505del (p.His169fs)

Gene: PTPN11 (protein tyrosine phosphatase non-receptor type 11; plus strand). Cytogenetic location: 12q24.13.
Variant type: Deletion.
Coding change: c.505del on transcript NM_002834.5 (MANE Select); coding-DNA position 505, one base deleted (C; older notation c.505delC).
Protein change: p.His169fs; shifts the reading frame from histidine 169.
Molecular consequence: frameshift variant.
Genome position (GRCh38, 1-based): chr12:112,453,367, C deleted; the last of 3 consecutive C bases (chr12:112,453,365-112,453,367); deleting any one gives the same sequence. VCF-style (leftmost placement, unchanged base first): chr12-112453364-AC-A. GRCh37 (hg19) VCF-style: chr12-112891168-AC-A.
Other names: c.505del, p.His169fs (NM_001330437.2, NM_080601.3); c.502del, p.His168fs (NM_001374625.1); short protein forms H169fs, H168fs.
Identifiers: ClinVar variation 561966 (VCV000561966.1), dbSNP rs1566168783, ClinGen allele CA658822710.

ClinVar aggregate classification (germline): Pathogenic (1 of 4 stars; one submission).

Submission:

GeneDx
Classification: Pathogenic. Last evaluated: 2018-08-02. Review status: criteria provided, single submitter. Criteria: GeneDx Variant Classification (06012015). Collection method: clinical testing. Allele origin: germline. Affected: yes.
Comment: The c.505delC pathogenic variant in the PTPN11 gene causes a frameshift starting with codon Histidine 169, changes this amino acid to a Methionine residue and creates a premature Stop codon at position 3 of the new reading frame, denoted p. His169MetfsX3. This pathogenic variant is predicted to cause loss of normal protein function either through protein truncation or nonsense-mediated mRNA decay. The c.505delC variant is not observed in large population cohorts (Lek et al., 2016). Therefore, this variant is pathogenic.